The following is an entry in ClinVar:

ClinVar aggregate classification (germline): Uncertain significance (1 of 4 stars; one submission).

Submission:

GeneDx
Classification: Uncertain significance. Last evaluated: 2023-06-13. Review status: criteria provided, single submitter. Criteria: GeneDx Variant Classification Process June 2021. Collection method: clinical testing. Allele origin: germline. Affected: yes.
Comment: Not observed at significant frequency in large population cohorts (gnomAD); In silico analysis supports that this missense variant does not alter protein structure/function; Has not been previously published as pathogenic or benign to our knowledge

NM_017946.4(FKBP14):c.41T>C (p.Val14Ala)

Genes: FKBP14 (FKBP prolyl isomerase 14; minus strand), FKBP14-AS1 (FKBP14 antisense RNA 1; plus strand). Cytogenetic location: 7p14.3.
Variant type: single nucleotide variant.
Coding change: c.41T>C on transcript NM_017946.4 (MANE Select); coding-DNA position 41, T replaced by C.
Protein change: p.Val14Ala; replaces valine 14 with alanine.
Molecular consequence: missense variant. On other transcripts: non-coding transcript variant (3).
Genome position (GRCh38, 1-based): chr7:30,026,468, A>G on the plus strand (T>C on the coding strand, the complement: FKBP14 is on the minus strand). VCF-style: chr7-30026468-A-G. GRCh37 (hg19) VCF-style: chr7-30066084-A-G.
Other names: short protein forms V14A.
Identifiers: ClinVar variation 3359884 (VCV003359884.1).
Genomic context (GRCh38, chr7:30,026,468, plus strand): 5'-TTCTGGAGAACTTCAATTTTCACTTCTGGTTCAGGGATCAAAGCCCCAATCAAAGAAGTG[A>G]CGAACAGAGTCAAGACCGCGTTCCACAAGAAAAGCCTCATGTTGCTGAAGCAAGGAAAGA-3'
Protein context (NP_060416.1, residues 4-24): FLWNAVLTLF[Val14Ala]TSLIGALIPE